The following is an entry in ClinVar:

ClinVar aggregate classification (germline): Uncertain significance (1 of 4 stars; one submission).

Conditions:
Idiopathic generalized epilepsy. Also called: EIG; Generalised epilepsy. Identifiers: MedGen C0270850, MONDO:0005579, OMIM 600669.

gnomAD v4.1: 1 of 1,613,582 alleles (0.000062%); highest among the groups gnomAD compares: Non-Finnish European, 0.000085%; no homozygotes.

Submission:

Labcorp Genetics (formerly Invitae), Labcorp
Classification: Uncertain significance for Idiopathic generalized epilepsy. Last evaluated: 2023-08-09. Review status: criteria provided, single submitter. Criteria: Invitae Variant Classification Sherloc (09022015). Collection method: clinical testing. Allele origin: germline.
Comment: This sequence change replaces proline, which is neutral and non-polar, with threonine, which is neutral and polar, at codon 369 of the RBFOX1 protein (p.Pro369Thr). This variant is not present in population databases (gnomAD no frequency). This variant has not been reported in the literature in individuals affected with RBFOX1-related conditions. An algorithm developed to predict the effect of missense changes on protein structure and function (PolyPhen-2) suggests that this variant is likely to be disruptive. In summary, the available evidence is currently insufficient to determine the role of this variant in disease. Therefore, it has been classified as a Variant of Uncertain Significance.

NM_018723.4(RBFOX1):c.1042C>A (p.Pro348Thr)

Genes: RBFOX1 (RNA binding fox-1 homolog 1; plus strand), LOC126862279 (MED14-independent group 3 enhancer GRCh37_chr16:7758954-7760153; plus strand). Cytogenetic location: 16p13.3.
Variant type: single nucleotide variant.
Coding change: c.1042C>A on transcript NM_018723.4 (MANE Select); coding-DNA position 1042, C replaced by A.
Protein change: p.Pro348Thr; replaces proline 348 with threonine.
Molecular consequence: missense variant. On other transcripts: synonymous variant (18).
Genome position (GRCh38, 1-based): chr16:7,709,102, C>A. VCF-style: chr16-7709102-C-A. GRCh37 (hg19) VCF-style: chr16-7759104-C-A.
Other names: c.1170C>A, p.Leu390= (NM_001415901.1, NM_001415890.1); c.1048C>A, p.Pro350Thr (NM_001415902.1); c.1036C>A, p.Pro346Thr (NM_001415903.1); c.1155C>A, p.Leu385= (NM_001415904.1); c.1024C>A, p.Pro342Thr (NM_001415905.1, NM_001415906.1); c.1143C>A, p.Leu381= (NM_001415907.1); c.1131C>A, p.Leu377= (NM_001415908.1); c.1122C>A, p.Leu374= (NM_001415909.1); and 23 more; short protein forms P326T, P333T, P364T, P520T, P321T, P348T, P368T, P391T.
Identifiers: ClinVar variation 2838785 (VCV002838785.3), dbSNP rs538050088, ClinGen allele CA394795570.